The following is an entry in ClinVar:

NM_001142800.2(EYS):c.8959A>G (p.Ser2987Gly)

Genes: EYS (EGF-like photoreceptor maintenance factor; minus strand), PHF3 (PHD finger protein 3; plus strand). Cytogenetic location: 6q12.
Variant type: single nucleotide variant.
Coding change: c.8959A>G on transcript NM_001142800.2 (MANE Select); coding-DNA position 8959, A replaced by G.
Protein change: p.Ser2987Gly; replaces serine 2987 with glycine.
Molecular consequence: missense variant. On other transcripts: 3 prime UTR variant (5).
Genome position (GRCh38, 1-based): chr6:63,721,072, T>C on the plus strand (A>G on the coding strand, the complement: EYS is on the minus strand). VCF-style: chr6-63721072-T-C. GRCh37 (hg19) VCF-style: chr6-64430968-T-C.
Other names: c.*7364T>C (NM_001290259.2, NM_001370348.2, NM_001370349.2 and 2 more transcripts); c.9022A>G, p.Ser3008Gly (NM_001292009.2); short protein forms S2987G, S3008G.
Identifiers: ClinVar variation 1213989 (VCV001213989.7), dbSNP rs2149624309, ClinGen allele CA364383577.

ClinVar aggregate classification (germline): Uncertain significance. Review status: criteria provided, multiple submitters, no conflicts (2 of 4 stars). 2 submissions from 2 submitters: Uncertain significance (2). Last evaluated 2022-01-11.

Conditions:
Retinitis pigmentosa 25 (RP25). Identifiers: Orphanet 791, MedGen C1864446, MONDO:0011272, OMIM 602772.

Submissions (2):

Labcorp Genetics (formerly Invitae), Labcorp
Classification: Uncertain significance. Last evaluated: 2022-01-11. Review status: criteria provided, single submitter. Criteria: Invitae Variant Classification Sherloc (09022015). Collection method: clinical testing. Allele origin: germline.
Comment: Algorithms developed to predict the effect of missense changes on protein structure and function output the following: SIFT: "Deleterious"; PolyPhen-2: "Possibly Damaging"; Align-GVGD: "Class C0". The glycine amino acid residue is found in multiple mammalian species, which suggests that this missense change does not adversely affect protein function. In summary, the available evidence is currently insufficient to determine the role of this variant in disease. Therefore, it has been classified as a Variant of Uncertain Significance. This variant is not present in population databases (gnomAD no frequency). This missense change has been observed in individual(s) with retinitis pigmentosa (Invitae). ClinVar contains an entry for this variant (Variation ID: 1213989). This sequence change replaces serine, which is neutral and polar, with glycine, which is neutral and non-polar, at codon 2987 of the EYS protein (p.Ser2987Gly).

DBGen Ocular Genomics
Classification: Uncertain significance for Retinitis pigmentosa 25. Last evaluated: 2021-06-07. Review status: criteria provided, single submitter. Criteria: ACMG Guidelines, 2015. Collection method: clinical testing. Allele origin: germline. Affected: yes. Observed: 1 variant allele.